The following is an entry in ClinVar:

ClinVar aggregate classification (germline): Uncertain significance. Review status: criteria provided, multiple submitters, no conflicts (2 of 4 stars). 2 submissions from 2 submitters: Uncertain significance (2). Last evaluated 2025-06-03.

Conditions:
CACNA1C-related disorder. Also called: CACNA1C-related disorders; CACNA1C-related condition. Identifiers: MedGen CN381092, MONDO:0700321.
Long QT syndrome (LQTS). Identifiers: MedGen C0023976, MeSH D008133, MONDO:0002442. Disease mechanism: loss of function. Inheritance: Various modes of inheritance.

Allele frequency attached by ClinVar (database versions not stated): gnomAD exomes 0.00002.
gnomAD v4.1: 25 of 1,613,786 alleles (0.0015%); highest among the groups gnomAD compares: Non-Finnish European, 0.0021%; no homozygotes.

Submissions (2):

Labcorp Genetics (formerly Invitae), Labcorp
Classification: Uncertain significance for Long QT syndrome. Last evaluated: 2025-06-03. Review status: criteria provided, single submitter. Criteria: Invitae Variant Classification Sherloc (09022015). Collection method: clinical testing. Allele origin: germline.
Comment: This sequence change replaces valine, which is neutral and non-polar, with methionine, which is neutral and non-polar, at codon 1749 of the CACNA1C protein (p.Val1749Met). This variant is not present in population databases (gnomAD no frequency). This variant has not been reported in the literature in individuals affected with CACNA1C-related conditions. ClinVar contains an entry for this variant (Variation ID: 456977). Invitae Evidence Modeling of protein sequence and biophysical properties (such as structural, functional, and spatial information, amino acid conservation, physicochemical variation, residue mobility, and thermodynamic stability) indicates that this missense variant is not expected to disrupt CACNA1C protein function with a negative predictive value of 95%. In summary, the available evidence is currently insufficient to determine the role of this variant in disease. Therefore, it has been classified as a Variant of Uncertain Significance.

PreventionGenetics, part of Exact Sciences
Classification: Uncertain significance for CACNA1C-related condition. Last evaluated: 2023-07-31. Review status: criteria provided, single submitter. Criteria: ACMG Guidelines, 2015. Collection method: clinical testing. Allele origin: germline.
Comment: The CACNA1C c.5245G>A variant is predicted to result in the amino acid substitution p.Val1749Met. To our knowledge, this variant has not been reported in the literature or in a large population database, indicating this variant is rare. At this time, the clinical significance of this variant is uncertain due to the absence of conclusive functional and genetic evidence.

NM_000719.7(CACNA1C):c.5245G>A (p.Val1749Met)

Genes: CACNA1C (calcium voltage-gated channel subunit alpha1 C; plus strand), CACNA1C-AS1 (CACNA1C antisense RNA 1; minus strand). Cytogenetic location: 12p13.33.
Variant type: single nucleotide variant.
Coding change: c.5245G>A on transcript NM_000719.7 (MANE Select); coding-DNA position 5245, G replaced by A.
Protein change: p.Val1749Met; replaces valine 1749 with methionine.
Molecular consequence: missense variant.
Genome position (GRCh38, 1-based): chr12:2,679,597, G>A. VCF-style: chr12-2679597-G-A. GRCh37 (hg19) VCF-style: chr12-2788763-G-A.
Other names: c.5389G>A, p.Val1797Met (NM_001129827.2, NM_199460.4); c.5368G>A, p.Val1790Met (NM_001129829.2); c.5245G>A, p.Val1749Met (NM_001129830.3, NM_001129840.2, NM_001129841.2 and 4 more transcripts); c.5329G>A, p.Val1777Met (NM_001129831.2); c.5305G>A, p.Val1769Met (NM_001129832.2); c.5302G>A, p.Val1768Met (NM_001129833.2, NM_001129834.2, NM_001129835.2); c.5296G>A, p.Val1766Met (NM_001129836.2); c.5269G>A, p.Val1757Met (NM_001129837.2, NM_001129838.2); and 3 more; short protein forms V1797M, V1749M, V1746M, V1757M, V1766M, V1768M, V1790M, V1738M.
Identifiers: ClinVar variation 456977 (VCV000456977.10), dbSNP rs1556109769, ClinGen allele CA383378804.